The following is an entry in ClinVar:

NM_001244008.2(KIF1A):c.4626G>T (p.Leu1542=)

Gene: KIF1A (kinesin family member 1A; minus strand). Cytogenetic location: 2q37.3.
Variant type: single nucleotide variant.
Coding change: c.4626G>T on transcript NM_001244008.2 (MANE Select); coding-DNA position 4626, G replaced by T.
Protein change: p.Leu1542=; no amino-acid change (leucine 1542 retained).
Molecular consequence: synonymous variant.
Genome position (GRCh38, 1-based): chr2:240,722,495, C>A on the plus strand (G>T on the coding strand, the complement: KIF1A is on the minus strand). VCF-style: chr2-240722495-C-A. GRCh37 (hg19) VCF-style: chr2-241661912-C-A.
Other names: c.4350G>T, p.Leu1450= (NM_001320705.2, NM_001379649.1); c.4377G>T, p.Leu1459= (NM_001330289.2); c.4425G>T, p.Leu1475= (NM_001330290.2, NM_001379648.1); c.4701G>T, p.Leu1567= (NM_001379631.1); c.4602G>T, p.Leu1534= (NM_001379632.1); c.4599G>T, p.Leu1533= (NM_001379633.1, NM_001379645.1); c.4452G>T, p.Leu1484= (NM_001379634.1); c.4449G>T, p.Leu1483= (NM_001379635.1, NM_001379646.1); and 7 more.
Identifiers: ClinVar variation 5041703 (VCV005041703.1).

ClinVar aggregate classification (germline): Likely benign (1 of 4 stars; one submission).

Submission:

CeGaT Center for Human Genetics Tuebingen
Classification: Likely benign. Last evaluated: 2026-09-01. Review status: criteria provided, single submitter. Criteria: CeGaT Center For Human Genetics Tuebingen Variant Classification Criteria Version 2. Collection method: clinical testing. Allele origin: germline. Affected: yes. Observed: 1 variant allele.
Comment: KIF1A: PM2:Supporting, BP4, BP7